The following is an entry in ClinVar:

ClinVar aggregate classification (germline): Uncertain significance (1 of 4 stars; one submission).

gnomAD v4.1: 8 of 1,191,300 alleles (0.00067%); highest among the groups gnomAD compares: Middle Eastern, 0.023%; no homozygotes.

Submission:

Labcorp Genetics (formerly Invitae), Labcorp
Classification: Uncertain significance. Last evaluated: 2025-01-30. Review status: criteria provided, single submitter. Criteria: Invitae Variant Classification Sherloc (09022015). Collection method: clinical testing. Allele origin: germline.
Comment: This sequence change replaces arginine, which is basic and polar, with histidine, which is basic and polar, at codon 702 of the POLA1 protein (p.Arg702His). This variant is present in population databases (rs762824656, gnomAD 0.008%). This variant has not been reported in the literature in individuals affected with POLA1-related conditions. Invitae Evidence Modeling of protein sequence and biophysical properties (such as structural, functional, and spatial information, amino acid conservation, physicochemical variation, residue mobility, and thermodynamic stability) indicates that this missense variant is not expected to disrupt POLA1 protein function with a negative predictive value of 80%. In summary, the available evidence is currently insufficient to determine the role of this variant in disease. Therefore, it has been classified as a Variant of Uncertain Significance.

NM_001330360.2(POLA1):c.2123G>A (p.Arg708His)

Gene: POLA1 (DNA polymerase alpha 1, catalytic subunit; plus strand). Cytogenetic location: Xp22.11.
Variant type: single nucleotide variant.
Coding change: c.2123G>A on transcript NM_001330360.2 (MANE Select); coding-DNA position 2123, G replaced by A.
Protein change: p.Arg708His; replaces arginine 708 with histidine.
Molecular consequence: missense variant.
Genome position (GRCh38, 1-based): chrX:24,739,457, G>A. VCF-style: chrX-24739457-G-A. GRCh37 (hg19) VCF-style: chrX-24757574-G-A.
Other names: c.2048G>A, p.Arg683His (NM_001378303.1); c.2123G>A, p.Arg708His (NM_001440806.1); c.2105G>A, p.Arg702His (NM_016937.4); short protein forms R702H, R708H, R683H.
Identifiers: ClinVar variation 4766681 (VCV004766681.1).
Genomic context (GRCh38, chrX:24,739,457, plus strand): 5'-GAAATGCTACCTGTGGTCGAATGATCTGTGATGTGGAAATTTCAGCAAAGGAATTGATTC[G>A]TTGTAAAAGCTACCATCTGTCTGAACTTGTTCAGCAGATTCTAAAAACTGAAAGGGTTGT-3'
Protein context (NP_001317289.1, residues 698-718): DVEISAKELI[Arg708His]CKSYHLSELV